The following is an entry in ClinVar:

NM_000038.6(APC):c.5140G>C (p.Asp1714His)

Gene: APC (APC regulator of Wnt signaling pathway; plus strand). Cytogenetic location: 5q22.2.
Variant type: single nucleotide variant.
Coding change: c.5140G>C on transcript NM_000038.6 (MANE Select); coding-DNA position 5140, G replaced by C.
Protein change: p.Asp1714His; replaces aspartic acid 1714 with histidine.
Molecular consequence: missense variant.
Genome position (GRCh38, 1-based): chr5:112,840,734, G>C. VCF-style: chr5-112840734-G-C. GRCh37 (hg19) VCF-style: chr5-112176431-G-C.
Other names: c.5140G>C, p.Asp1714His (NM_001127510.3, NM_001354895.2); c.5086G>C, p.Asp1696His (NM_001127511.3); c.5194G>C, p.Asp1732His (NM_001354896.2); c.5170G>C, p.Asp1724His (NM_001354897.2); c.5065G>C, p.Asp1689His (NM_001354898.2); c.5056G>C, p.Asp1686His (NM_001354899.2); c.5017G>C, p.Asp1673His (NM_001354900.2); c.4963G>C, p.Asp1655His (NM_001354901.2); and 5 more; short protein forms D1696H, D1714H, D1554H, D1588H, D1623H, D1431H, D1655H, D1613H.
Identifiers: ClinVar variation 216169 (VCV000216169.20), dbSNP rs148275069, ClinGen allele CA338323.
Genomic context (GRCh38, chr5:112,840,734, plus strand): 5'-GGCAGAAGTACAGATGAGGCTCAAGGAGGAAAAACCTCATCTGTAACCATACCTGAATTG[G>C]ATGACAATAAAGCAGAGGAAGGTGATATTCTTGCAGAATGCATTAATTCTGCTATGCCCA-3'
Protein context (NP_000029.2, residues 1704-1724): KTSSVTIPEL[Asp1714His]DNKAEEGDIL

ClinVar aggregate classification (germline): Uncertain significance. Review status: criteria provided, multiple submitters, no conflicts (2 of 4 stars). 5 submissions from 5 submitters: Uncertain significance (5). Last evaluated 2025-12-10.

Conditions:
Classic or attenuated familial adenomatous polyposis. Identifiers: MedGen CN372698, MONDO:0021057.
Hereditary cancer-predisposing syndrome. Also called: Hereditary Cancer Syndrome; Hereditary neoplastic syndrome; Neoplastic Syndromes, Hereditary; Tumor predisposition. Identifiers: Orphanet 140162, MedGen C0027672, MeSH D009386, MONDO:0015356.
Familial adenomatous polyposis 1 (FAP1). Also called: FAMILIAL ADENOMATOUS POLYPOSIS 1, ATTENUATED; POLYPOSIS, ADENOMATOUS INTESTINAL. Identifiers: MedGen C2713442, MONDO:0021056, OMIM 175100. Disease mechanism: loss of function.

Allele frequency attached by ClinVar (database versions not stated): TOPMed 0.00001.
gnomAD v4.1: 2 of 1,614,020 alleles (0.00012%); highest among the groups gnomAD compares: Non-Finnish European, 0.00017%; no homozygotes.

Submissions (5):

Color Diagnostics, LLC DBA Color Health
Classification: Uncertain significance for Hereditary cancer-predisposing syndrome. Last evaluated: 2025-12-10. Review status: criteria provided, single submitter. Criteria: ACMG Guidelines, 2015. Collection method: clinical testing. Allele origin: germline.
Comment: This missense variant replaces aspartic acid with histidine at codon 1714 of the APC protein. Computational prediction suggests that this variant may not impact protein structure and function. To our knowledge, functional studies have not been reported for this variant. This variant has not been reported in individuals affected with APC-related disorders in the literature. This variant has been identified in 2/1614020 chromosomes in the general population by the Genome Aggregation Database (gnomAD). The available evidence is insufficient to determine the role of this variant in disease conclusively. Therefore, this variant is classified as a Variant of Uncertain Significance.

Labcorp Genetics (formerly Invitae), Labcorp
Classification: Uncertain significance for Familial adenomatous polyposis 1. Last evaluated: 2025-05-07. Review status: criteria provided, single submitter. Criteria: Invitae Variant Classification Sherloc (09022015). Collection method: clinical testing. Allele origin: germline.
Comment: This sequence change replaces aspartic acid, which is acidic and polar, with histidine, which is basic and polar, at codon 1714 of the APC protein (p.Asp1714His). This variant is not present in population databases (gnomAD no frequency). This variant has not been reported in the literature in individuals affected with APC-related conditions. ClinVar contains an entry for this variant (Variation ID: 216169). Invitae Evidence Modeling of protein sequence and biophysical properties (such as structural, functional, and spatial information, amino acid conservation, physicochemical variation, residue mobility, and thermodynamic stability) indicates that this missense variant is not expected to disrupt APC protein function with a negative predictive value of 95%. In summary, the available evidence is currently insufficient to determine the role of this variant in disease. Therefore, it has been classified as a Variant of Uncertain Significance.

Ambry Genetics
Classification: Uncertain significance for Hereditary cancer-predisposing syndrome. Last evaluated: 2024-08-01. Review status: criteria provided, single submitter. Criteria: Ambry Variant Classification Scheme 2023. Collection method: clinical testing. Allele origin: germline.
Comment: The p.D1714H variant (also known as c.5140G>C), located in coding exon 15 of the APC gene, results from a G to C substitution at nucleotide position 5140. The aspartic acid at codon 1714 is replaced by histidine, an amino acid with similar properties. This amino acid position is well conserved in available vertebrate species. In addition, in silico predictors for this gene do not accurately predict pathogenicity. Since supporting evidence is limited at this time, the clinical significance of this alteration remains unclear.

All of Us Research Program, National Institutes of Health
Classification: Uncertain significance for Classic or attenuated familial adenomatous polyposis. Last evaluated: 2024-03-24. Review status: criteria provided, single submitter. Criteria: ACMG Guidelines, 2015. Collection method: clinical testing. Allele origin: germline. Inheritance: Autosomal dominant inheritance. Observed: 1 variant allele, 1 heterozygote.
Comment: This missense variant replaces aspartic acid with histidine at codon 1714 of the APC protein. Computational prediction suggests that this variant may not impact protein structure and function (internally defined REVEL score threshold <= 0.5, PMID: 27666373). To our knowledge, functional studies have not been reported for this variant. This variant has not been reported in individuals affected with APC-related disorders in the literature. This variant has not been identified in the general population by the Genome Aggregation Database (gnomAD). The available evidence is insufficient to determine the role of this variant in disease conclusively. Therefore, this variant is classified as a Variant of Uncertain Significance.

This study involves interpretation of variants in research participants for the purpose of population health screening. Participant phenotype was not available at the time of variant classification. Additional details can be found in publication PMID: 35346344, PMCID: PMC8962531

Women's Health and Genetics/Laboratory Corporation of America, LabCorp
Classification: Uncertain significance. Last evaluated: 2023-09-18. Review status: criteria provided, single submitter. Criteria: LabCorp Variant Classification Summary - May 2015. Collection method: clinical testing. Allele origin: germline.
Comment: Variant summary: APC c.5140G>C (p.Asp1714His) results in a non-conservative amino acid change in the encoded protein sequence. Four of five in-silico tools predict a damaging effect of the variant on protein function. The variant was absent in 250168 control chromosomes. The available data on variant occurrences in the general population are insufficient to allow any conclusion about variant significance. To our knowledge, no occurrence of c.5140G>C in individuals affected with Familial Adenomatous Polyposis and no experimental evidence demonstrating its impact on protein function have been reported. Three submitters have cited clinical-significance assessments for this variant to ClinVar after 2014. All submitters classified the variant as uncertain significance. Based on the evidence outlined above, the variant was classified as uncertain significance.